The following is an entry in ClinVar:

ClinVar aggregate classification (germline): Uncertain significance (1 of 4 stars; one submission).

Conditions:
BSCL2-related disorder. Also called: BSCL2-related condition; BSCL2-Related Disorders.

Submission:

PreventionGenetics, part of Exact Sciences
Classification: Uncertain significance for BSCL2-related condition. Last evaluated: 2026-09-02. Review status: criteria provided, single submitter. Criteria: ACMG Guidelines, 2015. Collection method: clinical testing. Allele origin: germline.
Comment: The BSCL2 c.266G>A variant is predicted to result in the amino acid substitution p.Arg89His. To our knowledge, this variant has not been reported in the literature or in a large population database (gnomAD), indicating this variant is rare. At this time, the clinical significance of this variant is uncertain due to the absence of conclusive functional and genetic evidence.

NM_001122955.4(BSCL2):c.266G>A (p.Arg89His)

Genes: BSCL2 (BSCL2 lipid droplet biogenesis associated, seipin; minus strand), HNRNPUL2-BSCL2 (HNRNPUL2-BSCL2 readthrough (NMD candidate); minus strand). Cytogenetic location: 11q12.3.
Variant type: single nucleotide variant.
Coding change: c.266G>A on transcript NM_001122955.4 (MANE Select); coding-DNA position 266, G replaced by A.
Protein change: p.Arg89His; replaces arginine 89 with histidine.
Molecular consequence: missense variant. On other transcripts: non-coding transcript variant (1).
Genome position (GRCh38, 1-based): chr11:62,705,439, C>T on the plus strand (G>A on the coding strand, the complement: BSCL2 is on the minus strand). VCF-style: chr11-62705439-C-T. GRCh37 (hg19) VCF-style: chr11-62472911-C-T.
Other names: c.74G>A, p.Arg25His (NM_001130702.2, NM_032667.6); c.266G>A, p.Arg89His (NM_001386027.1, NM_001386028.1); short protein forms R25H, R89H.
Identifiers: ClinVar variation 4990485 (VCV004990485.1).